The following continues an entry in ClinVar:

NM_000053.4(ATP7B):c.1847G>A (p.Arg616Gln)

Gene: ATP7B. ClinVar aggregate classification (germline): Pathogenic. Pathogenic (16).

Submissions 15 to 20 of 20:

Women's Health and Genetics/Laboratory Corporation of America, LabCorp
Classification: Pathogenic for Wilson disease. Last evaluated: 2018-04-30. Review status: criteria provided, single submitter. Criteria: LabCorp Variant Classification Summary - May 2015. Collection method: clinical testing. Allele origin: germline.
Comment: Variant summary: ATP7B c.1847G>A (p.Arg616Gln) results in a conservative amino acid change located in the Heavy metal-associated domain of the encoded protein sequence. Four of five in-silico tools predict a damaging effect of the variant on protein function. The variant allele was found at a frequency of 4.9e-05 in 246238 control chromosomes. This frequency is not higher than expected for a pathogenic variant in ATP7B causing Wilson Disease (4.9e-05 vs 0.0054), allowing no conclusion about variant significance. c.1847G>A has been reported in the literature in multiple individuals affected with Wilson Disease as both a compound heterozygous and homozygous allele (Loudianos_2003, Ljubic_2016). These data indicate that the variant is very likely to be associated with disease. No clinical diagnostic laboratories have submitted clinical-significance assessments for this variant to ClinVar after 2014. Based on the evidence outlined above, the variant was classified as pathogenic.

Juno Genomics, Hangzhou Juno Genomics, Inc
Classification: Pathogenic for Wilson disease. Review status: criteria provided, single submitter. Criteria: ACMG Guidelines, 2015. Collection method: clinical testing. Allele origin: germline. Affected: yes.
Comment: Novel missense change at an amino acid residue where a different missense change determined to be pathogenic has been seen before.;Absent from controls (or at extremely low frequency if recessive) in Genome Aggregation Database, Exome Sequencing Project, 1000 Genomes Project, or Exome Aggregation Consortium.;Well-established in vitro or in vivo functional studies supportive of a damaging effect on the gene or gene product.;For recessive disorders, detected in trans with a pathogenic variant.;Patient's phenotype or family history is highly specific for a disease with a single genetic etiology.

Counsyl
Classification: Pathogenic for Wilson disease. Last evaluated: 2017-06-23. Review status: no assertion criteria provided. Collection method: clinical testing. Allele origin: unknown. Not counted in ClinVar's aggregate classification.

Genome Diagnostics Laboratory, University Medical Center Utrecht
Classification: Likely pathogenic. Review status: no assertion criteria provided. Collection method: clinical testing. Allele origin: germline. Affected: yes. Study: VKGL Data-share Consensus. Not counted in ClinVar's aggregate classification.

Genomics And Bioinformatics Analysis Resource, Columbia University
Classification: Pathogenic for Wilson disease. Review status: no assertion criteria provided. Collection method: research. Allele origin: unknown. Affected: yes. Not counted in ClinVar's aggregate classification.
Comment: Compound Heterozygous

Joint Genome Diagnostic Labs from Nijmegen and Maastricht, Radboudumc and MUMC+
Classification: Likely pathogenic. Review status: no assertion criteria provided. Collection method: clinical testing. Allele origin: germline. Affected: yes. Study: VKGL Data-share Consensus. Not counted in ClinVar's aggregate classification.

Literature cited by the submitters: PubMed 12885331 (cited by 5 submitters); PubMed 21610751 (cited by 4 submitters); PubMed 22735241 (cited by 5 submitters); PubMed 26799313 (cited by 6 submitters); PubMed 10502777 (cited by 4 submitters); PubMed 16283883 (cited by 3 submitters); PubMed 17264425 (cited by 4 submitters); PubMed 18034201 (cited by 3 submitters); PubMed 18286826 (cited by 3 submitters); PubMed 23518715 (cited by 3 submitters); PubMed 23789284 (cited by 3 submitters); PubMed 11690702 (cited by 3billion); PubMed 18371106 (cited by Women's Health and Genetics/Laboratory Corporation of America, LabCorp); PubMed 20517649 (cited by Women's Health and Genetics/Laboratory Corporation of America, LabCorp and Counsyl); PubMed 17919502 (cited by Counsyl).